The following is an entry in ClinVar:

NM_002662.5(PLD1):c.2066C>T (p.Ala689Val)

Gene: PLD1 (phospholipase D1; minus strand). Cytogenetic location: 3q26.31.
Variant type: single nucleotide variant.
Coding change: c.2066C>T on transcript NM_002662.5 (MANE Select); coding-DNA position 2066, C replaced by T.
Protein change: p.Ala689Val; replaces alanine 689 with valine.
Molecular consequence: missense variant.
Genome position (GRCh38, 1-based): chr3:171,676,764, G>A on the plus strand (C>T on the coding strand, the complement: PLD1 is on the minus strand). VCF-style: chr3-171676764-G-A. GRCh37 (hg19) VCF-style: chr3-171394554-G-A.
Other names: c.1952C>T, p.Ala651Val (NM_001130081.3); short protein forms A651V, A689V.
Identifiers: ClinVar variation 3766227 (VCV003766227.2).
Genomic context (GRCh38, chr3:171,676,764, plus strand): 5'-CATCCAAGTACTTTTGTGAAGTTCCAGCGCTGGATGAAGTGACGTGCCACATCACGAGCC[G>A]CCTTCCCGTGGACTGCAGAGGCAATGTCATGCCAGGGCATCCGGGGCGTGGAGTACCTGT-3'
Protein context (NP_002653.1, residues 679-699): HDIASAVHGK[Ala689Val]ARDVARHFIQ

ClinVar aggregate classification (germline): Uncertain significance. Review status: criteria provided, multiple submitters, no conflicts (2 of 4 stars). 2 submissions from 2 submitters: Uncertain significance (2). Last evaluated 2025-01-19.

Conditions:
Inborn genetic diseases. Identifiers: MedGen C0950123, MeSH D030342.

gnomAD v4.1: 128 of 1,614,048 alleles (0.0079%); highest among the groups gnomAD compares: Non-Finnish European, 0.0089%; no homozygotes.

Submissions (2):

Ambry Genetics
Classification: Uncertain significance for Inborn genetic diseases. Last evaluated: 2025-01-19. Review status: criteria provided, single submitter. Criteria: Ambry Variant Classification Scheme 2023. Collection method: clinical testing. Allele origin: germline.

GeneDx
Classification: Uncertain significance. Last evaluated: 2024-08-20. Review status: criteria provided, single submitter. Criteria: GeneDx Variant Classification Process June 2021. Collection method: clinical testing. Allele origin: germline. Affected: yes.
Comment: Not observed at significant frequency in large population cohorts (gnomAD); In silico analysis supports that this missense variant has a deleterious effect on protein structure/function; Has not been previously published as pathogenic or benign to our knowledge